The following is an entry in ClinVar:

NM_000368.5(TSC1):c.1829T>G (p.Val610Gly)

Gene: TSC1 (TSC complex subunit 1; minus strand). Cytogenetic location: 9q34.13.
Variant type: single nucleotide variant.
Coding change: c.1829T>G on transcript NM_000368.5 (MANE Select); coding-DNA position 1829, T replaced by G.
Protein change: p.Val610Gly; replaces valine 610 with glycine.
Molecular consequence: missense variant.
Genome position (GRCh38, 1-based): chr9:132,905,749, A>C on the plus strand (T>G on the coding strand, the complement: TSC1 is on the minus strand). VCF-style: chr9-132905749-A-C. GRCh37 (hg19) VCF-style: chr9-135781136-A-C.
Other names: c.1826T>G, p.Val609Gly (NM_001162426.2); c.1676T>G, p.Val559Gly (NM_001162427.2); c.1466T>G, p.Val489Gly (NM_001362177.2); short protein forms V489G, V609G, V610G, V559G.
Identifiers: ClinVar variation 1394848 (VCV001394848.6), dbSNP rs1845619064, ClinGen allele CA375363224.

ClinVar aggregate classification (germline): Uncertain significance (1 of 4 stars; one submission).

Conditions:
Tuberous sclerosis 1 (TSC1). Identifiers: Orphanet 805, MedGen C1854465, MONDO:0008612, OMIM 191100.

Submission:

Labcorp Genetics (formerly Invitae), Labcorp
Classification: Uncertain significance for Tuberous sclerosis 1. Last evaluated: 2021-11-24. Review status: criteria provided, single submitter. Criteria: Invitae Variant Classification Sherloc (09022015). Collection method: clinical testing. Allele origin: germline.
Comment: This variant has not been reported in the literature in individuals affected with TSC1-related conditions. In summary, the available evidence is currently insufficient to determine the role of this variant in disease. Therefore, it has been classified as a Variant of Uncertain Significance. Algorithms developed to predict the effect of missense changes on protein structure and function are either unavailable or do not agree on the potential impact of this missense change (SIFT: "Deleterious"; PolyPhen-2: "Possibly Damaging"; Align-GVGD: "Class C0"). This variant is not present in population databases (gnomAD no frequency). This sequence change replaces valine, which is neutral and non-polar, with glycine, which is neutral and non-polar, at codon 610 of the TSC1 protein (p.Val610Gly).